The following is an entry in ClinVar:

NM_001083619.3(GRIA2):c.2326G>A (p.Glu776Lys)

Gene: GRIA2 (glutamate ionotropic receptor AMPA type subunit 2; plus strand). Cytogenetic location: 4q32.1.
Variant type: single nucleotide variant.
Coding change: c.2326G>A on transcript NM_001083619.3 (MANE Select); coding-DNA position 2326, G replaced by A.
Protein change: p.Glu776Lys; replaces glutamic acid 776 with lysine.
Molecular consequence: missense variant. On other transcripts: intron variant (3).
Genome position (GRCh38, 1-based): chr4:157,361,044, G>A. VCF-style: chr4-157361044-G-A. GRCh37 (hg19) VCF-style: chr4-158282196-G-A.
Other names: c.2185G>A, p.Glu729Lys (NM_001379000.3); c.2151-494G>A (NM_001379001.3, NM_001083620.3); c.2292-494G>A (NM_000826.6); short protein forms E729K, E776K.
Identifiers: ClinVar variation 4891047 (VCV004891047.1).
Genomic context (GRCh38, chr4:157,361,044, plus strand): 5'-TGACAAGTATGTTTTATCGTTTCAAGAAATGCGGTTAACCTCGCAGTACTAAAACTGAAT[G>A]AACAAGGCCTGTTGGACAAATTGAAAAACAAATGGTGGTACGACAAAGGAGAGTGCGGCA-3'
Protein context (NP_001077088.2, residues 766-786): AVNLAVLKLN[Glu776Lys]QGLLDKLKNK

ClinVar aggregate classification (germline): Uncertain significance (1 of 4 stars; one submission).

Submission:

Greenwood Genetic Center Diagnostic Laboratories, Greenwood Genetic Center
Classification: Uncertain significance. Last evaluated: 2026-04-29. Review status: criteria provided, single submitter. Criteria: ACMG Guidelines, 2015. Collection method: clinical testing. Allele origin: germline.
Comment: PM2, PP2